The following is an entry in ClinVar:

NM_006648.4(WNK2):c.5937C>G (p.Asp1979Glu)

Gene: WNK2 (WNK lysine deficient protein kinase 2; plus strand). Cytogenetic location: 9q22.31.
Variant type: single nucleotide variant.
Coding change: c.5937C>G on transcript NM_006648.4 (MANE Select); coding-DNA position 5937, C replaced by G.
Protein change: p.Asp1979Glu; replaces aspartic acid 1979 with glutamic acid.
Molecular consequence: missense variant.
Genome position (GRCh38, 1-based): chr9:93,299,083, C>G. VCF-style: chr9-93299083-C-G. GRCh37 (hg19) VCF-style: chr9-96061365-C-G.
Other names: c.6048C>G, p.Asp2016Glu (NM_001282394.3); short protein forms D1979E, D2016E.
Identifiers: ClinVar variation 3981930 (VCV003981930.1).

ClinVar aggregate classification (germline): Uncertain significance (1 of 4 stars; one submission).

gnomAD v4.1: 3 of 1,610,492 alleles (0.00019%); highest among the groups gnomAD compares: Non-Finnish European, 0.00025%; no homozygotes.

Submission:

Ambry Genetics
Classification: Uncertain significance. Last evaluated: 2025-04-20. Review status: criteria provided, single submitter. Criteria: Ambry Variant Classification Scheme 2023. Collection method: clinical testing. Allele origin: germline.
Comment: The p.D1979E variant (also known as c.5937C>G), located in coding exon 24 of the WNK2 gene, results from a C to G substitution at nucleotide position 5937. The aspartic acid at codon 1979 is replaced by glutamic acid, an amino acid with highly similar properties. This amino acid position is conserved. In addition, this alteration is predicted to be tolerated by in silico analysis. Based on the available evidence, the clinical significance of this variant remains unclear.